The following is an entry in ClinVar:

NM_004006.3(DMD):c.4745T>C (p.Val1582Ala)

Gene: DMD (dystrophin; minus strand). Cytogenetic location: Xp21.1.
Variant type: single nucleotide variant.
Coding change: c.4745T>C on transcript NM_004006.3 (MANE Select); coding-DNA position 4745, T replaced by C.
Protein change: p.Val1582Ala; replaces valine 1582 with alanine.
Molecular consequence: missense variant.
Genome position (GRCh38, 1-based): chrX:32,380,610, A>G on the plus strand (T>C on the coding strand, the complement: DMD is on the minus strand). VCF-style: chrX-32380610-A-G. GRCh37 (hg19) VCF-style: chrX-32398727-A-G.
Other names: c.4721T>C, p.Val1574Ala (NM_000109.4); c.4733T>C, p.Val1578Ala (NM_004009.3); c.4376T>C, p.Val1459Ala (NM_004010.3); c.722T>C, p.Val241Ala (NM_004011.4); c.713T>C, p.Val238Ala (NM_004012.4); short protein forms V238A, V241A, V1459A, V1574A, V1578A, V1582A.
Identifiers: ClinVar variation 952816 (VCV000952816.8), dbSNP rs147231219, ClinGen allele CA10378872.

ClinVar aggregate classification (germline): Conflicting classifications of pathogenicity. Review status: criteria provided, conflicting classifications (1 of 4 stars). 3 submissions from 3 submitters: Uncertain significance (1); Likely benign (1). 1 of the submissions does not count toward it. Last evaluated 2024-12-30.

Conditions:
Cardiovascular phenotype. Identifiers: MedGen CN230736.
Duchenne muscular dystrophy (DMD). Also called: MUSCULAR DYSTROPHY, PSEUDOHYPERTROPHIC PROGRESSIVE, DUCHENNE TYPE; Duchenne Muscular Dystrophy (DMD). Identifiers: Orphanet 98896, MedGen C0013264, MONDO:0010679, OMIM 310200.
Dystrophin deficiency.
Becker muscular dystrophy (BMD). Also called: MUSCULAR DYSTROPHY, PSEUDOHYPERTROPHIC PROGRESSIVE, BECKER TYPE; Becker Muscular Dystrophy (BMD). Identifiers: Orphanet 98895, MedGen C0917713, MONDO:0010311, OMIM 300376.
Cardiomyopathy (CMYO). Also called: Cardiomyopathies. Identifiers: Orphanet 167848, MedGen C0878544, MONDO:0004994, HP:0001638. Inheritance: Various modes of inheritance.

Allele frequency attached by ClinVar (database versions not stated): gnomAD exomes below 0.00001 and 0.00001; ExAC 0.00001; TOPMed 0.00001; gnomAD 0.00002; ESP Exome Variant Server 0.00009.
gnomAD v4.1: 3 of 1,207,990 alleles (0.00025%); highest among the groups gnomAD compares: African/African-American, 0.0053%; no homozygotes.

Submissions (3):

Labcorp Genetics (formerly Invitae), Labcorp
Classification: Uncertain significance for Duchenne muscular dystrophy. Last evaluated: 2024-12-30. Review status: criteria provided, single submitter. Criteria: Invitae Variant Classification Sherloc (09022015). Collection method: clinical testing. Allele origin: germline.
Comment: This sequence change replaces valine, which is neutral and non-polar, with alanine, which is neutral and non-polar, at codon 1582 of the DMD protein (p.Val1582Ala). This variant is present in population databases (rs147231219, gnomAD 0.02%). This variant has not been reported in the literature in individuals affected with DMD-related conditions. ClinVar contains an entry for this variant (Variation ID: 952816). Invitae Evidence Modeling of protein sequence and biophysical properties (such as structural, functional, and spatial information, amino acid conservation, physicochemical variation, residue mobility, and thermodynamic stability) indicates that this missense variant is not expected to disrupt DMD protein function with a negative predictive value of 95%. In summary, the available evidence is currently insufficient to determine the role of this variant in disease. Therefore, it has been classified as a Variant of Uncertain Significance.

Ambry Genetics
Classification: Likely benign for Cardiovascular phenotype. Last evaluated: 2024-06-01. Review status: criteria provided, single submitter. Criteria: Ambry Variant Classification Scheme 2023. Collection method: clinical testing. Allele origin: germline.

Natera, Inc.
Classification: Uncertain significance for Becker muscular dystrophy; Cardiomyopathy; Duchenne muscular dystrophy; Dystrophin deficiency. Last evaluated: 2018-09-30. Review status: no assertion criteria provided. Collection method: clinical testing. Allele origin: germline. Not counted in ClinVar's aggregate classification.